The following is an entry in ClinVar:

NM_002529.4(NTRK1):c.2119G>T (p.Glu707Ter)

Gene: NTRK1 (neurotrophic receptor tyrosine kinase 1; plus strand). Cytogenetic location: 1q23.1.
Variant type: single nucleotide variant.
Coding change: c.2119G>T on transcript NM_002529.4 (MANE Select); coding-DNA position 2119, G replaced by T.
Protein change: p.Glu707Ter; replaces glutamic acid 707 with a stop codon.
Molecular consequence: nonsense.
Genome position (GRCh38, 1-based): chr1:156,880,071, G>T. VCF-style: chr1-156880071-G-T. GRCh37 (hg19) VCF-style: chr1-156849863-G-T.
Other names: c.2011G>T, p.Glu671Ter (NM_001007792.1); c.2101G>T, p.Glu701Ter (NM_001012331.2); short protein forms E701*, E671*, E707*.
Identifiers: ClinVar variation 5003650 (VCV005003650.1).

ClinVar aggregate classification (germline): Pathogenic (1 of 4 stars; one submission).

Conditions:
Hereditary insensitivity to pain with anhidrosis (CIPA). Also called: NEUROPATHY, CONGENITAL SENSORY, WITH ANHIDROSIS; INSENSITIVITY TO PAIN, CONGENITAL, WITH ANHIDROSIS; FAMILIAL DYSAUTONOMIA, TYPE II; NTRK1 Congenital Insensitivity to Pain with Anhidrosis; hereditary sensory and autonomic neuropathy type 4; HSAN Type IV. Identifiers: Orphanet 642, MedGen C0020074, MONDO:0009746, OMIM 256800.

Submission:

Myriad Genetics, Inc.
Classification: Pathogenic for Hereditary insensitivity to pain with anhidrosis. Last evaluated: 2025-12-12. Review status: criteria provided, single submitter. Criteria: Myriad Autosomal Dominant, Autosomal Recessive and X-Linked Classification Criteria (2023). Collection method: clinical testing. Allele origin: unknown.
Comment: NM_002529.3(NTRK1):c.2119G>T(E707*) is a nonsense variant classified as pathogenic in the context of congenital insensitivity to pain with anhidrosis, NTRK1-related. E707* has not been observed in cases with relevant disease. Relevant functional assessments of this variant are not available in the literature. E707* has not been observed in referenced population frequency databases. In summary, NM_002529.3(NTRK1):c.2119G>T(E707*) is a nonsense variant in a gene where loss of function is a known mechanism of disease and is predicted to disrupt protein function. Please note: this variant was assessed in the context of healthy population screening.